The following is an entry in ClinVar:

NM_016356.5(DCDC2):c.715T>G (p.Ser239Ala)

Gene: DCDC2 (doublecortin domain containing 2; minus strand). Cytogenetic location: 6p22.3.
Variant type: single nucleotide variant.
Coding change: c.715T>G on transcript NM_016356.5 (MANE Select); coding-DNA position 715, T replaced by G.
Protein change: p.Ser239Ala; replaces serine 239 with alanine.
Molecular consequence: missense variant.
Genome position (GRCh38, 1-based): chr6:24,288,896, A>C on the plus strand (T>G on the coding strand, the complement: DCDC2 is on the minus strand). VCF-style: chr6-24288896-A-C. GRCh37 (hg19) VCF-style: chr6-24289124-A-C.
Other names: p.Ser239Ala; c.715T>G, p.Ser239Ala (NM_001195610.2); c.715T>G (NM_016356.3); short protein forms S239A.
Identifiers: ClinVar variation 594128 (VCV000594128.20), dbSNP rs144695853, ClinGen allele CA3654677.
Genomic context (GRCh38, chr6:24,288,896, plus strand): 5'-AGCATCTGATACTTACACTCCCTTTAGACTTTCTGGATCCTACAATAGGAGGTAGTGAAG[A>C]AGCTTTCTGACTGTGGAAACAAATTGCAATTTAGAAATCTGAATGTTGTTTACAAATAAT-3'
Protein context (NP_057440.2, residues 229-249): TMRRPFGQKA[Ser239Ala]SLPPIVGSRK

ClinVar aggregate classification (germline): Conflicting classifications of pathogenicity. Review status: criteria provided, conflicting classifications (1 of 4 stars). 6 submissions from 6 submitters: Uncertain significance (2); Benign (1); Likely benign (3). Last evaluated 2026-04-28.

Conditions:
Isolated neonatal sclerosing cholangitis (NSC). Also called: Sclerosing cholangitis, neonatal. Identifiers: Orphanet 480556, MedGen C4479344, MONDO:0018816, OMIM 617394.
Autosomal recessive nonsyndromic hearing loss 66 (DFNB66). Also called: Deafness, autosomal recessive 66. Identifiers: Orphanet 90636, MedGen C1857750, MONDO:0012442, OMIM 610212.
Inborn genetic diseases. Identifiers: MedGen C0950123, MeSH D030342.

Allele frequency attached by ClinVar (database versions not stated): gnomAD exomes 0.00014 and 0.00040; ExAC 0.00050; ESP Exome Variant Server 0.00146; 1000 Genomes Project 30x 0.00156; 1000 Genomes Project 0.00160; gnomAD 0.00163 and 0.00183; TOPMed 0.00176.
gnomAD v4.1: 471 of 1,603,066 alleles (0.029%); highest among the groups gnomAD compares: African/African-American, 0.55%; 1 homozygote.

Submissions (6):

Ambry Genetics
Classification: Likely benign for Inborn genetic diseases. Last evaluated: 2026-04-28. Review status: criteria provided, single submitter. Criteria: Ambry Variant Classification Scheme 2023. Collection method: clinical testing. Allele origin: germline.

Labcorp Genetics (formerly Invitae), Labcorp
Classification: Likely benign for Autosomal recessive nonsyndromic hearing loss 66; Isolated neonatal sclerosing cholangitis. Last evaluated: 2026-01-21. Review status: criteria provided, single submitter. Criteria: Invitae Variant Classification Sherloc (09022015). Collection method: clinical testing. Allele origin: germline.

Mayo Clinic Laboratories, Mayo Clinic
Classification: Likely benign. Last evaluated: 2025-03-04. Review status: criteria provided, single submitter. Criteria: ACMG Guidelines, 2015. Collection method: clinical testing. Allele origin: germline. Observed: 4 variant alleles.
Comment: BS1, BP4_moderate

Blueprint Genetics
Classification: Uncertain significance. Last evaluated: 2024-11-25. Review status: criteria provided, single submitter. Criteria: ACMG Guidelines, 2015. Collection method: clinical testing. Allele origin: germline.

GeneDx
Classification: Benign. Last evaluated: 2018-12-18. Review status: criteria provided, single submitter. Criteria: GeneDx Variant Classification Process June 2021. Collection method: clinical testing. Allele origin: germline. Affected: yes.

Eurofins Ntd Llc (ga)
Classification: Uncertain significance. Last evaluated: 2018-06-28. Review status: criteria provided, single submitter. Criteria: EGL ClinVar v180209 classification definitions. Collection method: clinical testing. Allele origin: germline. Observed: 6 variant alleles, 6 heterozygotes.